The following is an entry in ClinVar:

NM_017654.4(SAMD9):c.3259G>A (p.Ala1087Thr)

Gene: SAMD9 (sterile alpha motif domain containing 9; minus strand). Cytogenetic location: 7q21.2.
Variant type: single nucleotide variant.
Coding change: c.3259G>A on transcript NM_017654.4 (MANE Select); coding-DNA position 3259, G replaced by A.
Protein change: p.Ala1087Thr; replaces alanine 1087 with threonine.
Molecular consequence: missense variant.
Genome position (GRCh38, 1-based): chr7:93,102,839, C>T on the plus strand (G>A on the coding strand, the complement: SAMD9 is on the minus strand). VCF-style: chr7-93102839-C-T. GRCh37 (hg19) VCF-style: chr7-92732152-C-T.
Other names: c.3259G>A, p.Ala1087Thr (NM_001193307.2); short protein forms A1087T.
Identifiers: ClinVar variation 3636737 (VCV003636737.2).

ClinVar aggregate classification (germline): Uncertain significance (1 of 4 stars; one submission).

Submission:

Labcorp Genetics (formerly Invitae), Labcorp
Classification: Uncertain significance. Last evaluated: 2025-04-07. Review status: criteria provided, single submitter. Criteria: Invitae Variant Classification Sherloc (09022015). Collection method: clinical testing. Allele origin: germline.
Comment: This sequence change replaces alanine, which is neutral and non-polar, with threonine, which is neutral and polar, at codon 1087 of the SAMD9 protein (p.Ala1087Thr). This variant is not present in population databases (gnomAD no frequency). This variant has not been reported in the literature in individuals affected with SAMD9-related conditions. ClinVar contains an entry for this variant (Variation ID: 3636737). Invitae Evidence Modeling of protein sequence and biophysical properties (such as structural, functional, and spatial information, amino acid conservation, physicochemical variation, residue mobility, and thermodynamic stability) has been performed for this missense variant. However, the output from this modeling did not meet the statistical confidence thresholds required to predict the impact of this variant on SAMD9 protein function. In summary, the available evidence is currently insufficient to determine the role of this variant in disease. Therefore, it has been classified as a Variant of Uncertain Significance.